The following is an entry in ClinVar:

NM_015102.5(NPHP4):c.996C>T (p.Ser332=)

Gene: NPHP4 (nephrocystin 4; minus strand). Cytogenetic location: 1p36.31.
Variant type: single nucleotide variant.
Coding change: c.996C>T on transcript NM_015102.5 (MANE Select); coding-DNA position 996, C replaced by T.
Protein change: p.Ser332=; no amino-acid change (serine 332 retained).
Molecular consequence: synonymous variant. On other transcripts: 5 prime UTR variant (2), non-coding transcript variant (1).
Genome position (GRCh38, 1-based): chr1:5,947,227, G>A on the plus strand (C>T on the coding strand, the complement: NPHP4 is on the minus strand). VCF-style: chr1-5947227-G-A. GRCh37 (hg19) VCF-style: chr1-6007287-G-A.
Other names: c.-371C>T (NM_001291593.2, NM_001291594.2); c.996C>T (NM_015102.4).
Identifiers: ClinVar variation 1107241 (VCV001107241.11), dbSNP rs773569914, ClinGen allele CA554670.

ClinVar aggregate classification (germline): Likely benign. Review status: criteria provided, multiple submitters, no conflicts (2 of 4 stars). 3 submissions from 3 submitters: Likely benign (3). Last evaluated 2025-11-24.

Conditions:
Nephronophthisis. Also called: Juvenile Nephronophthisis. Identifiers: Orphanet 655, MedGen C0687120, MONDO:0019005, HP:0000090.
NPHP4-related disorder. Also called: NPHP4-related condition; NPHP4-related disorders. Identifiers: MedGen CN239384.

Allele frequency attached by ClinVar (database versions not stated): ExAC 0.00001; gnomAD 0.00001; TOPMed 0.00001; gnomAD exomes 0.00002 and 0.00004.
gnomAD v4.1: 25 of 1,613,500 alleles (0.0015%); highest among the groups gnomAD compares: Admixed American, 0.005%; no homozygotes.

Submissions (3):

Labcorp Genetics (formerly Invitae), Labcorp
Classification: Likely benign for Nephronophthisis. Last evaluated: 2025-11-24. Review status: criteria provided, single submitter. Criteria: Invitae Variant Classification Sherloc (09022015). Collection method: clinical testing. Allele origin: germline.

PreventionGenetics, part of Exact Sciences
Classification: Likely benign for NPHP4-related condition. Last evaluated: 2025-04-18. Review status: criteria provided, single submitter. Criteria: ACMG Guidelines, 2015. Collection method: clinical testing. Allele origin: germline.
Comment: This variant is classified as likely benign based on ACMG/AMP sequence variant interpretation guidelines (Richards et al. 2015 PMID: 25741868, with internal and published modifications).

Blueprint Genetics
Classification: Likely benign. Last evaluated: 2024-03-18. Review status: criteria provided, single submitter. Criteria: ACMG Guidelines, 2015. Collection method: clinical testing. Allele origin: germline.